The following is an entry in ClinVar:

NM_004544.4(NDUFA10):c.29C>G (p.Ala10Gly)

Gene: NDUFA10 (NADH:ubiquinone oxidoreductase subunit A10; minus strand). Cytogenetic location: 2q37.3.
Variant type: single nucleotide variant.
Coding change: c.29C>G on transcript NM_004544.4 (MANE Select); coding-DNA position 29, C replaced by G.
Protein change: p.Ala10Gly; replaces alanine 10 with glycine.
Molecular consequence: missense variant. On other transcripts: non-coding transcript variant (4).
Genome position (GRCh38, 1-based): chr2:240,025,273, G>C on the plus strand (C>G on the coding strand, the complement: NDUFA10 is on the minus strand). VCF-style: chr2-240025273-G-C. GRCh37 (hg19) VCF-style: chr2-240964690-G-C.
Other names: c.29C>G, p.Ala10Gly (NM_001322019.2, NM_001322020.2, NM_001410987.1); short protein forms A10G.
Identifiers: ClinVar variation 2663096 (VCV002663096.2), dbSNP rs1258770997, ClinGen allele CA351275148.

ClinVar aggregate classification (germline): Uncertain significance (1 of 4 stars; one submission).

gnomAD v4.1: 25 of 1,503,442 alleles (0.0017%); highest among the groups gnomAD compares: Admixed American, 0.024%; no homozygotes.

Submission:

GeneDx
Classification: Uncertain significance. Last evaluated: 2025-06-05. Review status: criteria provided, single submitter. Criteria: GeneDx Variant Classification Process June 2021. Collection method: clinical testing. Allele origin: germline.
Comment: In silico analysis suggests that this missense variant does not alter protein structure/function; Has not been previously published as pathogenic or benign to our knowledge